The following is an entry in ClinVar:

ClinVar aggregate classification (germline): Uncertain significance (1 of 4 stars; one submission).

Conditions:
Dyskeratosis congenita. Identifiers: Orphanet 1775, MedGen C0265965, MONDO:0015780.

Allele frequency attached by ClinVar (database versions not stated): TOPMed 0.00003; gnomAD exomes 0.00005; ExAC 0.00007.
gnomAD v4.1: 28 of 1,614,168 alleles (0.0017%); highest among the groups gnomAD compares: South Asian, 0.018%; no homozygotes.

Submission:

Labcorp Genetics (formerly Invitae), Labcorp
Classification: Uncertain significance for Dyskeratosis congenita. Last evaluated: 2025-07-07. Review status: criteria provided, single submitter. Criteria: Invitae Variant Classification Sherloc (09022015). Collection method: clinical testing. Allele origin: germline.
Comment: This sequence change replaces valine, which is neutral and non-polar, with methionine, which is neutral and non-polar, at codon 188 of the CTC1 protein (p.Val188Met). This variant is present in population databases (rs769331687, gnomAD 0.03%). This variant has not been reported in the literature in individuals affected with CTC1-related conditions. ClinVar contains an entry for this variant (Variation ID: 859483). Invitae Evidence Modeling of protein sequence and biophysical properties (such as structural, functional, and spatial information, amino acid conservation, physicochemical variation, residue mobility, and thermodynamic stability) indicates that this missense variant is expected to disrupt CTC1 protein function with a positive predictive value of 80%. In summary, the available evidence is currently insufficient to determine the role of this variant in disease. Therefore, it has been classified as a Variant of Uncertain Significance.

NM_025099.6(CTC1):c.562G>A (p.Val188Met)

Gene: CTC1 (CST telomere replication complex component 1; minus strand). Cytogenetic location: 17p13.1.
Variant type: single nucleotide variant.
Coding change: c.562G>A on transcript NM_025099.6 (MANE Select); coding-DNA position 562, G replaced by A.
Protein change: p.Val188Met; replaces valine 188 with methionine.
Molecular consequence: missense variant. On other transcripts: non-coding transcript variant (1).
Genome position (GRCh38, 1-based): chr17:8,238,116, C>T on the plus strand (G>A on the coding strand, the complement: CTC1 is on the minus strand). VCF-style: chr17-8238116-C-T. GRCh37 (hg19) VCF-style: chr17-8141434-C-T.
Other names: short protein forms V188M.
Identifiers: ClinVar variation 859483 (VCV000859483.9), dbSNP rs769331687, ClinGen allele CA8372607.